The following is an entry in ClinVar:

NM_022552.5(DNMT3A):c.2082+3A>G

Gene: DNMT3A (DNA methyltransferase 3 alpha; minus strand). Cytogenetic location: 2p23.3.
Variant type: single nucleotide variant.
Coding change: c.2082+3A>G on transcript NM_022552.5 (MANE Select); 3 bases into the intron after coding-DNA position 2082, A replaced by G.
Molecular consequence: intron variant.
Genome position (GRCh38, 1-based): chr2:25,241,559, T>C on the plus strand (A>G on the coding strand, the complement: DNMT3A is on the minus strand). VCF-style: chr2-25241559-T-C. GRCh37 (hg19) VCF-style: chr2-25464428-T-C.
Other names: c.2082+3A>G (NM_175629.2); c.1515+3A>G (NM_153759.3); c.1626+3A>G (NM_001320893.1); c.1413+3A>G (NM_001375819.1).
Identifiers: ClinVar variation 3375374 (VCV003375374.2).

ClinVar aggregate classification (germline): Uncertain significance. Review status: criteria provided, multiple submitters, no conflicts (2 of 4 stars). 2 submissions from 2 submitters: Uncertain significance (2). Last evaluated 2026-01-09.

Conditions:
Tatton-Brown-Rahman overgrowth syndrome. Also called: Tall stature-intellectual disability-facial dysmorphism syndrome; Tatton-Brown-Rahman syndrome. Identifiers: Orphanet 404443, MedGen C4014545, MONDO:0014382, OMIM 615879.

gnomAD v4.1: 13 of 1,612,432 alleles (0.00081%); highest among the groups gnomAD compares: Non-Finnish European, 0.0011%; no homozygotes.

Submissions (2):

3billion
Classification: Uncertain significance for Tatton-Brown-Rahman overgrowth syndrome. Last evaluated: 2026-01-09. Review status: criteria provided, single submitter. Criteria: ACMG Guidelines, 2015. Collection method: clinical testing. Allele origin: germline. Affected: yes.
Comment: The variant is observed at an extremely low frequency in the gnomAD v4.1.0 dataset (total allele frequency: <0.001%). Predicted Consequence/Location: Intron variant In silico tools predict the variant to alter splicing and produce an abnormal transcript [SpliceAI: 0.41 (>=0.2, moderate evidence for spliceogenicity)]. The variant has been reported as of uncertain significance (ClinVar ID: VCV003375374). Therefore, this variant is classified as VUS according to the recommendation of ACMG/AMP guideline.

Women's Health and Genetics/Laboratory Corporation of America, LabCorp
Classification: Uncertain significance. Last evaluated: 2024-09-19. Review status: criteria provided, single submitter. Criteria: LabCorp Variant Classification Summary - May 2015. Collection method: clinical testing. Allele origin: germline.
Comment: Variant summary: DNMT3A c.2082+3A>G alters a conserved nucleotide located close to a canonical splice site and therefore could affect mRNA splicing, leading to a significantly altered protein sequence. Several computational tools predict a significant impact on normal splicing: three of four predict the variant abolishes or weakens a 5' donor site. However, these predictions have yet to be confirmed by functional studies. The variant allele was found at a frequency of 1.2e-05 in 249258 control chromosomes in the gnomAD database (v2.1 dataset), however the reported samples had low allele fractions, and carriers with age data available were older than 65 y, suggesting that these variant occurrences might represents age-related clonal hematopoiesis rather than true germline variants. The available data on variant occurrences in the general population are insufficient to allow any conclusion about variant significance. To our knowledge, no occurrence of c.2082+3A>G in individuals affected with Tatton-Brown Overgrowth Syndrome and no experimental evidence demonstrating its impact on protein function have been reported. No submitters have cited clinical-significance assessments for this variant to ClinVar. Based on the evidence outlined above, the variant was classified as uncertain significance.

Literature cited by the submitters: PubMed 27288520 (cited by Women's Health and Genetics/Laboratory Corporation of America, LabCorp); PubMed 23632886 (cited by Women's Health and Genetics/Laboratory Corporation of America, LabCorp); PubMed 23341344 (cited by Women's Health and Genetics/Laboratory Corporation of America, LabCorp); PubMed 22077061 (cited by Women's Health and Genetics/Laboratory Corporation of America, LabCorp); PubMed 25172541 (cited by Women's Health and Genetics/Laboratory Corporation of America, LabCorp); PubMed 21067377 (cited by Women's Health and Genetics/Laboratory Corporation of America, LabCorp); PubMed 22291079 (cited by Women's Health and Genetics/Laboratory Corporation of America, LabCorp); PubMed 21967546 (cited by Women's Health and Genetics/Laboratory Corporation of America, LabCorp); PubMed 22124213 (cited by Women's Health and Genetics/Laboratory Corporation of America, LabCorp); PubMed 22417203 (cited by Women's Health and Genetics/Laboratory Corporation of America, LabCorp); PubMed 27733013 (cited by Women's Health and Genetics/Laboratory Corporation of America, LabCorp); PubMed 27636998 (cited by Women's Health and Genetics/Laboratory Corporation of America, LabCorp); PubMed 22289988 (cited by Women's Health and Genetics/Laboratory Corporation of America, LabCorp); PubMed 21537334 (cited by Women's Health and Genetics/Laboratory Corporation of America, LabCorp); PubMed 21670448 (cited by Women's Health and Genetics/Laboratory Corporation of America, LabCorp); PubMed 24936645 (cited by Women's Health and Genetics/Laboratory Corporation of America, LabCorp); PubMed 21415852 (cited by Women's Health and Genetics/Laboratory Corporation of America, LabCorp); PubMed 22722750 (cited by Women's Health and Genetics/Laboratory Corporation of America, LabCorp); PubMed 22216861 (cited by Women's Health and Genetics/Laboratory Corporation of America, LabCorp); PubMed 27418649 (cited by Women's Health and Genetics/Laboratory Corporation of America, LabCorp); PubMed 25281355 (cited by Women's Health and Genetics/Laboratory Corporation of America, LabCorp); PubMed 27276561 (cited by Women's Health and Genetics/Laboratory Corporation of America, LabCorp).